The following is an entry in ClinVar:

ClinVar aggregate classification (germline): Likely pathogenic. Review status: criteria provided, multiple submitters, no conflicts (2 of 4 stars). 2 submissions from 2 submitters: Likely pathogenic (2). Last evaluated 2023-02-06.

Conditions:
Bardet-Biedl syndrome 4 (BBS4). Identifiers: Orphanet 110, MedGen C2936864, MONDO:0014433, OMIM 615982.

Submissions (2):

Baylor Genetics
Classification: Likely pathogenic for Bardet-Biedl syndrome 4. Last evaluated: 2023-02-06. Review status: criteria provided, single submitter. Criteria: ACMG Guidelines, 2015. Collection method: clinical testing. Allele origin: unknown.

Department of Medical Genetics, Sanjay Gandhi Post Graduate Institute of Medical Sciences
Classification: Likely pathogenic for Bardet-Biedl syndrome 4. Review status: criteria provided, single submitter. Criteria: ACMG Guidelines, 2015. Collection method: clinical testing. Allele origin: inherited. Inheritance: Autosomal recessive inheritance. Affected: yes. Observed: 1 homozygote.
Comment: Analysis of the exome sequencing data showed a novel homozygous sequence variant in BBS4 gene. This variant is classified as likely pathogenic which shows strong evidence of pathogenicity according to ACMG guidelines (Richards et al., 2015). This variant is not found in ExAC and 1000G databases.

NM_033028.5(BBS4):c.210_213del (p.Ile70fs)

Gene: BBS4 (Bardet-Biedl syndrome 4; plus strand). Cytogenetic location: 15q24.1.
Variant type: Microsatellite.
Coding change: c.210_213del on transcript NM_033028.5 (MANE Select); coding-DNA positions 210 to 213, 4 bases deleted (CTAT; older notation c.210_213delCTAT).
Protein change: p.Ile70fs; shifts the reading frame from isoleucine 70.
Molecular consequence: frameshift variant. On other transcripts: 5 prime UTR variant (1), non-coding transcript variant (2).
Genome position (GRCh38, 1-based): chr15:72,712,297-72,712,300, CTAT deleted; deleting any 4 consecutive bases within chr15:72,712,293-72,712,300 gives the same sequence; the c. name uses the placement nearest the transcript's 3' end. VCF-style (leftmost placement, unchanged base first): chr15-72712292-GCTAT-G. GRCh37 (hg19) VCF-style: chr15-73004633-GCTAT-G.
Other names: c.-316CTAT[1] (NM_001252678.2); c.210_213del, p.Ile70fs (NM_001320665.2); short protein forms I70fs.
Identifiers: ClinVar variation 684433 (VCV000684433.4), dbSNP rs775928735, ClinGen allele CA7646536.
Genomic context (GRCh38, chr15:72,712,292, plus strand): 5'-TCCCTCTTTCAGGCTGTTATCAAAGAACAGCTTCAAGAGACTCAGGGATTGTGTGAATAT[GCTAT>G]CTATGTCCAAGGTAAGACACATACTTCTTGTCTTCTTGCTAGAGAAATACACTTTTCCTA-3'